The following is an entry in ClinVar:

ClinVar aggregate classification (germline): Pathogenic (1 of 4 stars; one submission).

Conditions:
Peroxisome biogenesis disorder, complementation group 7 (CG7). Also called: Peroxisome biogenesis disorder, complementation group B. Identifiers: MedGen C1864399.

Submission:

Labcorp Genetics (formerly Invitae), Labcorp
Classification: Pathogenic for Peroxisome biogenesis disorder, complementation group 7. Last evaluated: 2023-07-25. Review status: criteria provided, single submitter. Criteria: Invitae Variant Classification Sherloc (09022015). Collection method: clinical testing. Allele origin: germline.
Comment: For these reasons, this variant has been classified as Pathogenic. This variant has not been reported in the literature in individuals affected with PEX10-related conditions. This variant is not present in population databases (gnomAD no frequency). This sequence change creates a premature translational stop signal (p.Lys41Serfs*56) in the PEX10 gene. It is expected to result in an absent or disrupted protein product. Loss-of-function variants in PEX10 are known to be pathogenic (PMID: 9683594, 10862081, 21031596).

Literature cited by the submitters: PubMed 9683594; PubMed 10862081; PubMed 21031596.

NM_002617.4(PEX10):c.120del (p.Lys41fs)

Gene: PEX10 (peroxisomal biogenesis factor 10; minus strand). Cytogenetic location: 1p36.32.
Variant type: Deletion.
Coding change: c.120del on transcript NM_002617.4 (MANE Select); coding-DNA position 120, one base deleted (G; older notation c.120delG).
Protein change: p.Lys41fs; shifts the reading frame from lysine 41.
Molecular consequence: frameshift variant. On other transcripts: 5 prime UTR variant (2), non-coding transcript variant (1).
Genome position (GRCh38, 1-based): chr1:2,410,444, C deleted on the plus strand (G on the coding strand, the reverse complement: PEX10 is on the minus strand); the first of 2 consecutive C bases (chr1:2,410,444-2,410,445); deleting either gives the same sequence. VCF-style (leftmost placement, unchanged base first): chr1-2410443-TC-T. GRCh37 (hg19) VCF-style: chr1-2341882-TC-T.
Other names: c.120del, p.Lys41fs (NM_001374425.1, NM_153818.2); c.-313del (NM_001374426.1, NM_001374427.1); short protein forms K41fs.
Identifiers: ClinVar variation 2746428 (VCV002746428.3), dbSNP rs2522292383, ClinGen allele CA2697552038.